The following is an entry in ClinVar:

NM_004793.4(LONP1):c.2835C>G (p.Ile945Met)

Gene: LONP1 (lon peptidase 1, mitochondrial; minus strand). Cytogenetic location: 19p13.3.
Variant type: single nucleotide variant.
Coding change: c.2835C>G on transcript NM_004793.4 (MANE Select); coding-DNA position 2835, C replaced by G.
Protein change: p.Ile945Met; replaces isoleucine 945 with methionine.
Molecular consequence: missense variant. On other transcripts: non-coding transcript variant (1).
Genome position (GRCh38, 1-based): chr19:5,692,077, G>C on the plus strand (C>G on the coding strand, the complement: LONP1 is on the minus strand). VCF-style: chr19-5692077-G-C. GRCh37 (hg19) VCF-style: chr19-5692088-G-C.
Other names: c.2643C>G, p.Ile881Met (NM_001276479.2); c.2247C>G, p.Ile749Met (NM_001276480.1); short protein forms I749M, I945M, I881M.
Identifiers: ClinVar variation 2995398 (VCV002995398.3), dbSNP rs757189076, ClinGen allele CA9113937.

ClinVar aggregate classification (germline): Uncertain significance (1 of 4 stars; one submission).

gnomAD v4.1: 2 of 1,610,966 alleles (0.00012%); highest among the groups gnomAD compares: Admixed American, 0.0033%; no homozygotes.

Submission:

Labcorp Genetics (formerly Invitae), Labcorp
Classification: Uncertain significance. Last evaluated: 2022-11-29. Review status: criteria provided, single submitter. Criteria: Invitae Variant Classification Sherloc (09022015). Collection method: clinical testing. Allele origin: germline.
Comment: This variant is present in population databases (rs757189076, gnomAD 0.006%). This sequence change replaces isoleucine, which is neutral and non-polar, with methionine, which is neutral and non-polar, at codon 945 of the LONP1 protein (p.Ile945Met). This variant has not been reported in the literature in individuals affected with LONP1-related conditions. In summary, the available evidence is currently insufficient to determine the role of this variant in disease. Therefore, it has been classified as a Variant of Uncertain Significance. Advanced modeling of protein sequence and biophysical properties (such as structural, functional, and spatial information, amino acid conservation, physicochemical variation, residue mobility, and thermodynamic stability) performed at Invitae indicates that this missense variant is not expected to disrupt LONP1 protein function.